The following is an entry in ClinVar:

NM_002519.3(NPAT):c.3073A>T (p.Thr1025Ser)

Gene: NPAT (nuclear protein, coactivator of histone transcription; minus strand). Cytogenetic location: 11q22.3.
Variant type: single nucleotide variant.
Coding change: c.3073A>T on transcript NM_002519.3 (MANE Select); coding-DNA position 3073, A replaced by T.
Protein change: p.Thr1025Ser; replaces threonine 1025 with serine.
Molecular consequence: missense variant.
Genome position (GRCh38, 1-based): chr11:108,162,013, T>A on the plus strand (A>T on the coding strand, the complement: NPAT is on the minus strand). VCF-style: chr11-108162013-T-A. GRCh37 (hg19) VCF-style: chr11-108032740-T-A.
Other names: c.3094A>T, p.Thr1032Ser (NM_001321307.1); short protein forms T1032S, T1025S.
Identifiers: ClinVar variation 1727281 (VCV001727281.2), dbSNP rs1162130845, ClinGen allele CA382511584.

ClinVar aggregate classification (germline): Uncertain significance (1 of 4 stars; one submission).

Allele frequency attached by ClinVar (database versions not stated): gnomAD exomes below 0.00001; TOPMed below 0.00001; gnomAD 0.00001.
gnomAD v4.1: 3 of 1,610,738 alleles (0.00019%); highest among the groups gnomAD compares: Non-Finnish European, 0.00025%; no homozygotes.

Submission:

Ambry Genetics
Classification: Uncertain significance. Last evaluated: 2022-09-05. Review status: criteria provided, single submitter. Criteria: Ambry Variant Classification Scheme 2023. Collection method: clinical testing. Allele origin: germline.
Comment: The p.T1025S variant (also known as c.3073A>T), located in coding exon 17 of the NPAT gene, results from an A to T substitution at nucleotide position 3073. The threonine at codon 1025 is replaced by serine, an amino acid with similar properties. This amino acid position is conserved. In addition, this alteration is predicted to be tolerated by in silico analysis. Since supporting evidence is limited at this time, the clinical significance of this alteration remains unclear.